The following is an entry in ClinVar:

ClinVar aggregate classification (germline): Uncertain significance. Review status: criteria provided, multiple submitters, no conflicts (2 of 4 stars). 3 submissions from 3 submitters: Uncertain significance (3). Last evaluated 2025-05-01.

Conditions:
Hereditary factor VIII deficiency disease (HEMA). Also called: HEMOPHILIA, CLASSIC; Hemophilia A, congenital; HEM A; Factor 8 deficiency, congenital; Hemophilia A; AUTOSOMAL HEMOPHILIA A. Identifiers: Orphanet 98878, MedGen C0019069, MONDO:0010602, OMIM 306700.
Thrombophilia, X-linked, due to factor 8 defect. Also called: Thrombophilia 13, X-linked, due to factor VIII defect; THROMBOPHILIA, X-LINKED, DUE TO FACTOR VIII DEFECT. Identifiers: MedGen C5676879, MONDO:0859082, OMIM 301071.

Allele frequency attached by ClinVar (database versions not stated): gnomAD exomes 0.00002 and 0.00008; ExAC 0.00003; gnomAD 0.00006 and 0.00007; TOPMed 0.00009.
gnomAD v4.1: 31 of 1,210,346 alleles (0.0026%); highest among the groups gnomAD compares: Middle Eastern, 0.023%; 2 homozygotes.

Submissions (3):

CeGaT Center for Human Genetics Tuebingen
Classification: Uncertain significance. Last evaluated: 2025-05-01. Review status: criteria provided, single submitter. Criteria: CeGaT Center For Human Genetics Tuebingen Variant Classification Criteria Version 2. Collection method: clinical testing. Allele origin: germline. Affected: yes. Observed: 2 variant alleles.

Fulgent Genetics
Classification: Uncertain significance for Thrombophilia, X-linked, due to factor 8 defect; Hereditary factor VIII deficiency disease. Last evaluated: 2022-05-25. Review status: criteria provided, single submitter. Criteria: ACMG Guidelines, 2015. Collection method: clinical testing. Allele origin: unknown.

Illumina Laboratory Services, Illumina
Classification: Uncertain significance for Hereditary factor VIII deficiency disease. Last evaluated: 2017-04-28. Review status: criteria provided, single submitter. Criteria: ICSL Variant Classification Criteria 13 December 2019. Collection method: clinical testing. Allele origin: germline.
Comment: This variant was observed as part of a predisposition screen in an ostensibly healthy population. A literature search was performed for the gene, cDNA change, and amino acid change (where applicable). Publications were found based on this search. However, the evidence from the literature, in combination with allele frequency data from public databases where available, was not sufficient to rule this variant in or out of causing disease. Therefore, this variant is classified as a variant of unknown significance.

Literature cited by the submitters: PubMed 21645226 (cited by Illumina Laboratory Services, Illumina); PubMed 24108539 (cited by Illumina Laboratory Services, Illumina).

NM_000132.4(F8):c.4442T>C (p.Leu1481Pro)

Gene: F8 (coagulation factor VIII; minus strand). Cytogenetic location: Xq28.
Variant type: single nucleotide variant.
Coding change: c.4442T>C on transcript NM_000132.4 (MANE Select); coding-DNA position 4442, T replaced by C.
Protein change: p.Leu1481Pro; replaces leucine 1481 with proline.
Molecular consequence: missense variant.
Genome position (GRCh38, 1-based): chrX:154,929,348, A>G on the plus strand (T>C on the coding strand, the complement: F8 is on the minus strand). VCF-style: chrX-154929348-A-G. GRCh37 (hg19) VCF-style: chrX-154157623-A-G.
Other names: short protein forms L1481P.
Identifiers: ClinVar variation 444838 (VCV000444838.48), dbSNP rs1800294, ClinGen allele CA10568107.